The following is an entry in ClinVar:

ClinVar aggregate classification (germline): Uncertain significance (1 of 4 stars; one submission).

Conditions:
Left ventricular noncompaction 1 (LVNC1). Also called: LEFT VENTRICULAR NONCOMPACTION 1 WITH OR WITHOUT CONGENITAL HEART DEFECTS. Identifiers: Orphanet 54260, MedGen C1858725, MONDO:0011403, OMIM 604169.

Submission:

Labcorp Genetics (formerly Invitae), Labcorp
Classification: Uncertain significance for Left ventricular noncompaction 1. Last evaluated: 2024-12-23. Review status: criteria provided, single submitter. Criteria: Invitae Variant Classification Sherloc (09022015). Collection method: clinical testing. Allele origin: germline.
Comment: This sequence change replaces phenylalanine, which is neutral and non-polar, with leucine, which is neutral and non-polar, at codon 119 of the DTNA protein (p.Phe119Leu). This variant is not present in population databases (gnomAD no frequency). This variant has not been reported in the literature in individuals affected with DTNA-related conditions. Invitae Evidence Modeling of protein sequence and biophysical properties (such as structural, functional, and spatial information, amino acid conservation, physicochemical variation, residue mobility, and thermodynamic stability) indicates that this missense variant is not expected to disrupt DTNA protein function with a negative predictive value of 80%. In summary, the available evidence is currently insufficient to determine the role of this variant in disease. Therefore, it has been classified as a Variant of Uncertain Significance.

NM_001386795.1(DTNA):c.357T>G (p.Phe119Leu)

Gene: DTNA (dystrobrevin alpha; plus strand). Cytogenetic location: 18q12.1.
Variant type: single nucleotide variant.
Coding change: c.357T>G on transcript NM_001386795.1 (MANE Select); coding-DNA position 357, T replaced by G.
Protein change: p.Phe119Leu; replaces phenylalanine 119 with leucine.
Molecular consequence: missense variant.
Genome position (GRCh38, 1-based): chr18:34,794,245, T>G. VCF-style: chr18-34794245-T-G. GRCh37 (hg19) VCF-style: chr18-32374209-T-G.
Other names: c.357T>G, p.Phe119Leu (NM_001128175.2, NM_001198938.2, NM_001198939.2 and 35 more transcripts); short protein forms F119L.
Identifiers: ClinVar variation 3621259 (VCV003621259.2).